The following is an entry in ClinVar:

NM_014140.4(SMARCAL1):c.2002C>T (p.Arg668Trp)

Gene: SMARCAL1 (SNF2 related chromatin remodeling annealing helicase 1; plus strand). Cytogenetic location: 2q35.
Variant type: single nucleotide variant.
Coding change: c.2002C>T on transcript NM_014140.4 (MANE Select); coding-DNA position 2002, C replaced by T.
Protein change: p.Arg668Trp; replaces arginine 668 with tryptophan.
Molecular consequence: missense variant.
Genome position (GRCh38, 1-based): chr2:216,450,996, C>T. VCF-style: chr2-216450996-C-T. GRCh37 (hg19) VCF-style: chr2-217315719-C-T.
Other names: c.2002C>T (NM_014140.3); c.2002C>T, p.Arg668Trp (NM_001127207.2); short protein forms R668W.
Identifiers: ClinVar variation 989504 (VCV000989504.8), dbSNP rs189863563, ClinGen allele CA2098068.

ClinVar aggregate classification (germline): Uncertain significance. Review status: criteria provided, multiple submitters, no conflicts (2 of 4 stars). 5 submissions from 5 submitters: Uncertain significance (4). 1 of the submissions does not count toward it. Last evaluated 2026-01-20.

Conditions:
Inborn genetic diseases. Identifiers: MedGen C0950123, MeSH D030342.
Schimke immuno-osseous dysplasia (SIOD). Also called: Schimke Immunoosseous Dysplasia. Identifiers: Orphanet 1830, MedGen C0877024, MONDO:0009458, OMIM 242900.

Allele frequency attached by ClinVar (database versions not stated): gnomAD 0.00002; TOPMed 0.00002; gnomAD exomes 0.00004.
gnomAD v4.1: 60 of 1,614,064 alleles (0.0037%); highest among the groups gnomAD compares: South Asian, 0.014%; no homozygotes.

Submissions (5):

Labcorp Genetics (formerly Invitae), Labcorp
Classification: Uncertain significance for Schimke immuno-osseous dysplasia. Last evaluated: 2026-01-20. Review status: criteria provided, single submitter. Criteria: Invitae Variant Classification Sherloc (09022015). Collection method: clinical testing. Allele origin: germline.
Comment: This sequence change replaces arginine, which is basic and polar, with tryptophan, which is neutral and slightly polar, at codon 668 of the SMARCAL1 protein (p.Arg668Trp). This variant is present in population databases (rs189863563, gnomAD 0.01%). This variant has not been reported in the literature in individuals affected with SMARCAL1-related conditions. ClinVar contains an entry for this variant (Variation ID: 989504). Invitae Evidence Modeling of protein sequence and biophysical properties (such as structural, functional, and spatial information, amino acid conservation, physicochemical variation, residue mobility, and thermodynamic stability) indicates that this missense variant is not expected to disrupt SMARCAL1 protein function with a negative predictive value of 80%. In summary, the available evidence is currently insufficient to determine the role of this variant in disease. Therefore, it has been classified as a Variant of Uncertain Significance.

Blueprint Genetics
Classification: Uncertain significance. Last evaluated: 2024-09-18. Review status: criteria provided, single submitter. Criteria: ACMG Guidelines, 2015. Collection method: clinical testing. Allele origin: germline.

Ambry Genetics
Classification: Uncertain significance for Inborn genetic diseases. Last evaluated: 2024-09-11. Review status: criteria provided, single submitter. Criteria: Ambry Variant Classification Scheme 2023. Collection method: clinical testing. Allele origin: germline.

Fulgent Genetics
Classification: Uncertain significance for Schimke immuno-osseous dysplasia. Last evaluated: 2022-03-17. Review status: criteria provided, single submitter. Criteria: ACMG Guidelines, 2015. Collection method: clinical testing. Allele origin: unknown.

Natera, Inc.
Classification: Uncertain significance for Schimke immuno-osseous dysplasia. Last evaluated: 2020-09-23. Review status: no assertion criteria provided. Collection method: clinical testing. Allele origin: germline. Not counted in ClinVar's aggregate classification.